The following is an entry in ClinVar:

ClinVar aggregate classification (germline): Uncertain significance. Review status: criteria provided, multiple submitters, no conflicts (2 of 4 stars). 6 submissions from 6 submitters: Uncertain significance (5). 1 of the submissions does not count toward it. Last evaluated 2026-08-06.

Conditions:
HYPERHOMOCYSTEINEMIA, THROMBOTIC, CBS-RELATED. Identifiers: MedGen C3150344, OMIM 236200.
Classic homocystinuria. Also called: Homocystinuria due to CBS deficiency; Cystathionine beta-synthase deficiency; CBS deficiency; Homocystinuria due to Cystathionine Beta-Synthase Deficiency; HOMOCYSTINURIA WITH OR WITHOUT RESPONSE TO PYRIDOXINE. Identifiers: Orphanet 394, MedGen C0751202, MONDO:0009352, OMIM 236200.
Familial thoracic aortic aneurysm and aortic dissection (TAAD). Also called: Thoracic aortic aneurysms and dissections. Identifiers: Orphanet 91387, MedGen C4707243, MONDO:0019625.

Allele frequency attached by ClinVar (database versions not stated): gnomAD 0.00003; ExAC 0.00008; gnomAD exomes 0.00010.

Submissions (6):

OLLIN Analises Genomicas, OLLIN
Classification: Uncertain significance for Classic homocystinuria. Last evaluated: 2026-08-06. Review status: criteria provided, single submitter. Criteria: ACMG Guidelines 2015 PMID 25741868. Collection method: clinical testing. Allele origin: germline. Inheritance: Autosomal recessive inheritance.
Comment: This missense variant, located in exon 17 (of 17), is absent from gnomAD and has not been identified in the literature. However, it has been reported in ClinVar (accession VCV000501401.9). In silico analysis predicts that this variant has a deleterious effect. According to the currently available evidence, this variant has been classified as uncertain significance (PM2_P, PP3).

Ambry Genetics
Classification: Uncertain significance for Familial thoracic aortic aneurysm and aortic dissection. Last evaluated: 2024-02-13. Review status: criteria provided, single submitter. Criteria: Ambry Variant Classification Scheme 2023. Collection method: clinical testing. Allele origin: germline.
Comment: The p.G532R variant (also known as c.1594G>A), located in coding exon 15 of the CBS gene, results from a G to A substitution at nucleotide position 1594. The glycine at codon 532 is replaced by arginine, an amino acid with dissimilar properties. This amino acid position is well conserved in available vertebrate species. In addition, this alteration is predicted to be tolerated by in silico analysis. Based on the available evidence, the clinical significance of this alteration remains unclear.

Labcorp Genetics (formerly Invitae), Labcorp
Classification: Uncertain significance for HYPERHOMOCYSTEINEMIA, THROMBOTIC, CBS-RELATED. Last evaluated: 2022-07-19. Review status: criteria provided, single submitter. Criteria: Invitae Variant Classification Sherloc (09022015). Collection method: clinical testing. Allele origin: germline.
Comment: This sequence change replaces glycine, which is neutral and non-polar, with arginine, which is basic and polar, at codon 532 of the CBS protein (p.Gly532Arg). This variant is present in population databases (rs748953468, gnomAD 0.1%). This variant has not been reported in the literature in individuals affected with CBS-related conditions. ClinVar contains an entry for this variant (Variation ID: 501401). Algorithms developed to predict the effect of missense changes on protein structure and function output the following: SIFT: "Tolerated"; PolyPhen-2: "Benign"; Align-GVGD: "Class C0". The arginine amino acid residue is found in multiple mammalian species, which suggests that this missense change does not adversely affect protein function. In summary, the available evidence is currently insufficient to determine the role of this variant in disease. Therefore, it has been classified as a Variant of Uncertain Significance.

Fulgent Genetics
Classification: Uncertain significance for Classic homocystinuria. Last evaluated: 2018-10-31. Review status: criteria provided, single submitter. Criteria: ACMG Guidelines, 2015. Collection method: clinical testing. Allele origin: unknown.

Eurofins Ntd Llc (ga)
Classification: Uncertain significance. Last evaluated: 2017-04-24. Review status: criteria provided, single submitter. Criteria: EGL Classification Definitions 2015. Collection method: clinical testing. Allele origin: germline. Observed: 1 variant allele, 1 heterozygote.

Natera, Inc.
Classification: Uncertain significance for Homocystinuria due to cystathionine beta-synthase deficiency. Last evaluated: 2020-01-17. Review status: no assertion criteria provided. Collection method: clinical testing. Allele origin: germline. Not counted in ClinVar's aggregate classification.

NM_000071.3(CBS):c.1594G>A (p.Gly532Arg)

Gene: CBS (cystathionine beta-synthase; minus strand). Cytogenetic location: 21q22.3.
Variant type: single nucleotide variant.
Coding change: c.1594G>A on transcript NM_000071.3 (MANE Select); coding-DNA position 1594, G replaced by A.
Protein change: p.Gly532Arg; replaces glycine 532 with arginine.
Molecular consequence: missense variant.
Genome position (GRCh38, 1-based): chr21:43,053,942, C>T on the plus strand (G>A on the coding strand, the complement: CBS is on the minus strand). VCF-style: chr21-43053942-C-T. GRCh37 (hg19) VCF-style: chr21-44474052-C-T.
Other names: c.1594G>A, p.Gly532Arg (NM_001178008.3, NM_001178009.3, NM_001320298.2); c.1279G>A, p.Gly427Arg (NM_001321072.1); short protein forms G532R, G427R.
Identifiers: ClinVar variation 501401 (VCV000501401.10), dbSNP rs748953468, ClinGen allele CA321684717.